The following is an entry in ClinVar:

NM_001126108.2(SLC12A3):c.1678C>A (p.Pro560Thr)

Gene: SLC12A3 (solute carrier family 12 member 3; plus strand). Cytogenetic location: 16q13.
Variant type: single nucleotide variant.
Coding change: c.1678C>A on transcript NM_001126108.2 (MANE Select); coding-DNA position 1678, C replaced by A.
Protein change: p.Pro560Thr; replaces proline 560 with threonine.
Molecular consequence: missense variant.
Genome position (GRCh38, 1-based): chr16:56,884,057, C>A. VCF-style: chr16-56884057-C-A. GRCh37 (hg19) VCF-style: chr16-56917969-C-A.
Other names: c.1678C>A, p.Pro560Thr (NM_000339.3); c.1675C>A, p.Pro559Thr (NM_001126107.2, NM_001410896.1); short protein forms P559T, P560T.
Identifiers: ClinVar variation 3385199 (VCV003385199.1).

ClinVar aggregate classification (germline): Uncertain significance (1 of 4 stars; one submission).

gnomAD v4.1: 4 of 1,614,176 alleles (0.00025%); highest among the groups gnomAD compares: South Asian, 0.0022%; no homozygotes.

Submission:

Women's Health and Genetics/Laboratory Corporation of America, LabCorp
Classification: Uncertain significance. Last evaluated: 2024-10-18. Review status: criteria provided, single submitter. Criteria: LabCorp Variant Classification Summary - May 2015. Collection method: clinical testing. Allele origin: germline.
Comment: Variant summary: SLC12A3 c.1678C>A (p.Pro560Thr) results in a non-conservative amino acid change located in the Amino acid permease/ SLC12A domain (IPR004841) of the encoded protein sequence. Five of five in-silico tools predict a damaging effect of the variant on protein function. The variant was absent in 250516 control chromosomes. The available data on variant occurrences in the general population are insufficient to allow any conclusion about variant significance. To our knowledge, no occurrence of c.1678C>A in individuals affected with Familial Hypokalemia-Hypomagnesemia and no experimental evidence demonstrating its impact on protein function have been reported. No submitters have cited clinical-significance assessments for this variant to ClinVar. Based on the evidence outlined above, the variant was classified as uncertain significance.